The following is an entry in ClinVar:

ClinVar aggregate classification (germline): Uncertain significance (1 of 4 stars; one submission).

gnomAD v4.1: 5 of 718,540 alleles (0.0007%); highest among the groups gnomAD compares: South Asian, 0.0015%; no homozygotes.

Submission:

Labcorp Genetics (formerly Invitae), Labcorp
Classification: Uncertain significance. Last evaluated: 2024-03-21. Review status: criteria provided, single submitter. Criteria: Invitae Variant Classification Sherloc (09022015). Collection method: clinical testing. Allele origin: germline.
Comment: This sequence change replaces proline, which is neutral and non-polar, with serine, which is neutral and polar, at codon 124 of the COL13A1 protein (p.Pro124Ser). This variant is present in population databases (no rsID available, gnomAD 0.002%). This variant has not been reported in the literature in individuals affected with COL13A1-related conditions. An algorithm developed to predict the effect of missense changes on protein structure and function (PolyPhen-2) suggests that this variant is likely to be tolerated. In summary, the available evidence is currently insufficient to determine the role of this variant in disease. Therefore, it has been classified as a Variant of Uncertain Significance.

NM_001368882.1(COL13A1):c.370C>T (p.Pro124Ser)

Gene: COL13A1 (collagen type XIII alpha 1 chain; plus strand). Cytogenetic location: 10q22.1.
Variant type: single nucleotide variant.
Coding change: c.370C>T on transcript NM_001368882.1 (MANE Select); coding-DNA position 370, C replaced by T.
Protein change: p.Pro124Ser; replaces proline 124 with serine.
Molecular consequence: missense variant. On other transcripts: 5 prime UTR variant (1).
Genome position (GRCh38, 1-based): chr10:69,867,803, C>T. VCF-style: chr10-69867803-C-T. GRCh37 (hg19) VCF-style: chr10-71627559-C-T.
Other names: c.370C>T, p.Pro124Ser (NM_001368883.1, NM_001368884.1, NM_001368885.1 and 11 more transcripts); c.-284C>T (NM_001368886.1); short protein forms P124S.
Identifiers: ClinVar variation 3684861 (VCV003684861.2).